The following is an entry in ClinVar:

NM_000548.5(TSC2):c.1142G>A (p.Arg381Lys)

Gene: TSC2 (TSC complex subunit 2; plus strand). Cytogenetic location: 16p13.3.
Variant type: single nucleotide variant.
Coding change: c.1142G>A on transcript NM_000548.5 (MANE Select); coding-DNA position 1142, G replaced by A.
Protein change: p.Arg381Lys; replaces arginine 381 with lysine.
Molecular consequence: missense variant.
Genome position (GRCh38, 1-based): chr16:2,061,893, G>A. VCF-style: chr16-2061893-G-A. GRCh37 (hg19) VCF-style: chr16-2111894-G-A.
Other names: c.1142G>A, p.Arg381Lys (NM_001370405.1, NM_021055.3, NM_001077183.3 and 3 more transcripts); c.1031G>A, p.Arg344Lys (NM_001318827.2); c.995G>A, p.Arg332Lys (NM_001318829.2); c.542G>A, p.Arg181Lys (NM_001318831.2); c.1175G>A, p.Arg392Lys (NM_001318832.2); short protein forms R381K, R181K, R344K, R332K, R392K.
Identifiers: ClinVar variation 49673 (VCV000049673.7), dbSNP rs45465395, ClinGen allele CA013922.

ClinVar aggregate classification (germline): Conflicting classifications of pathogenicity. Review status: criteria provided, conflicting classifications (1 of 4 stars). 3 submissions from 3 submitters: Uncertain significance (1); Benign (1). 1 of the submissions does not count toward it. Last evaluated 2023-10-06.

Conditions:
Tuberous sclerosis syndrome (TSC). Also called: Tuberous Sclerosis Complex; Tuberous sclerosis. Identifiers: Orphanet 805, MedGen C0041341, MONDO:0001734.
Tuberous sclerosis 2 (TSC2). Identifiers: Orphanet 805, MedGen C1860707, MONDO:0013199, OMIM 613254.

Allele frequency attached by ClinVar (database versions not stated): gnomAD exomes below 0.00001; ExAC 0.00001.

Submissions (3):

All of Us Research Program, National Institutes of Health
Classification: Uncertain significance for Tuberous sclerosis syndrome. Last evaluated: 2023-10-06. Review status: criteria provided, single submitter. Criteria: ACMG Guidelines, 2015. Collection method: clinical testing. Allele origin: germline. Inheritance: Autosomal dominant inheritance. Observed: 1 variant allele, 1 heterozygote.
Comment: This missense variant replaces arginine with lysine at codon 381 of the TSC2 protein. Computational prediction suggests that this variant may not impact protein structure and function (internally defined REVEL score threshold <= 0.5, PMID: 27666373). To our knowledge, functional studies have not been reported for this variant. This variant has not been reported in individuals affected with TSC2-related disorders in the literature. This variant has been identified in 1/251298 chromosomes in the general population by the Genome Aggregation Database (gnomAD). The available evidence is insufficient to determine the role of this variant in disease conclusively. Therefore, this variant is classified as a Variant of Uncertain Significance.

This study involves interpretation of variants in research participants for the purpose of population health screening. Participant phenotype was not available at the time of variant classification. Additional details can be found in publication PMID: 35346344, PMCID: PMC8962531

Labcorp Genetics (formerly Invitae), Labcorp
Classification: Benign for Tuberous sclerosis 2. Last evaluated: 2023-10-05. Review status: criteria provided, single submitter. Criteria: Invitae Variant Classification Sherloc (09022015). Collection method: clinical testing. Allele origin: germline.

Tuberous sclerosis database (TSC2)
No classification provided. Condition: TSC. Review status: no classification provided. Criteria: Tuberous Sclerosis Database Assertion Criteria 2015. Collection method: curation. Allele origin: germline. Affected: yes. Not counted in ClinVar's aggregate classification.